The following is an entry in ClinVar:

NM_004448.4(ERBB2):c.3556G>A (p.Ala1186Thr)

Gene: ERBB2 (erb-b2 receptor tyrosine kinase 2; plus strand). Cytogenetic location: 17q12.
Variant type: single nucleotide variant.
Coding change: c.3556G>A on transcript NM_004448.4 (MANE Select); coding-DNA position 3556, G replaced by A.
Protein change: p.Ala1186Thr; replaces alanine 1186 with threonine.
Molecular consequence: missense variant. On other transcripts: 3 prime UTR variant (2), non-coding transcript variant (1).
Genome position (GRCh38, 1-based): chr17:39,727,832, G>A. VCF-style: chr17-39727832-G-A. GRCh37 (hg19) VCF-style: chr17-37884085-G-A.
Other names: c.3586G>A, p.Ala1196Thr (NM_001382788.1); c.3577G>A, p.Ala1193Thr (NM_001382789.1); c.3553G>A, p.Ala1185Thr (NM_001382790.1); c.3547G>A, p.Ala1183Thr (NM_001382791.1); c.3520G>A, p.Ala1174Thr (NM_001382792.1); c.3514G>A, p.Ala1172Thr (NM_001382793.1, NM_001382794.1); c.3508G>A, p.Ala1170Thr (NM_001382795.1); c.3469G>A, p.Ala1157Thr (NM_001382796.1); and 16 more; short protein forms A1124T, A1126T, A1172T, A869T, A910T, A1118T, A1134T, A1171T.
Identifiers: ClinVar variation 4782019 (VCV004782019.1).

ClinVar aggregate classification (germline): Uncertain significance (1 of 4 stars; one submission).

Submission:

Labcorp Genetics (formerly Invitae), Labcorp
Classification: Uncertain significance. Last evaluated: 2025-07-09. Review status: criteria provided, single submitter. Criteria: Invitae Variant Classification Sherloc (09022015). Collection method: clinical testing. Allele origin: germline.
Comment: This sequence change replaces alanine, which is neutral and non-polar, with threonine, which is neutral and polar, at codon 1186 of the ERBB2 protein (p.Ala1186Thr). This variant is not present in population databases (gnomAD no frequency). This variant has not been reported in the literature in individuals affected with ERBB2-related conditions. An algorithm developed to predict the effect of missense changes on protein structure and function outputs the following: PolyPhen-2: "Benign". The threonine amino acid residue is found in multiple mammalian species, which suggests that this missense change does not adversely affect protein function. In summary, the available evidence is currently insufficient to determine the role of this variant in disease. Therefore, it has been classified as a Variant of Uncertain Significance.